The following is an entry in ClinVar:

ClinVar aggregate classification (germline): Benign. Review status: criteria provided, multiple submitters, no conflicts (2 of 4 stars). 2 submissions from 2 submitters: Benign (2). Last evaluated 2018-01-12.

Conditions:
Nail-patella syndrome (NPS). Also called: FONG DISEASE; ONYCHOOSTEODYSPLASIA; TURNER-KIESER SYNDROME. Identifiers: Orphanet 2614, MedGen C0027341, MONDO:0008061, OMIM 161200.

Allele frequency attached by ClinVar (database versions not stated): gnomAD 0.15307 and 0.15317; TOPMed 0.16195; 1000 Genomes Project 0.19549; 1000 Genomes Project 30x 0.19550.

Submissions (2):

Illumina Laboratory Services, Illumina
Classification: Benign for Nail-patella syndrome. Last evaluated: 2018-01-12. Review status: criteria provided, single submitter. Criteria: ICSL Variant Classification Criteria 13 December 2019. Collection method: clinical testing. Allele origin: germline.
Comment: This variant was observed in the ICSL laboratory as part of a predisposition screen in an ostensibly healthy population. It had not been previously curated by ICSL or reported in the Human Gene Mutation Database (HGMD: prior to June 1st, 2018), and was therefore a candidate for classification through an automated scoring system. Utilizing variant allele frequency, disease prevalence and penetrance estimates, and inheritance mode, an automated score was calculated to assess if this variant is too frequent to cause the disease. Based on the score and internal cut-off values, a variant classified as benign is not then subjected to further curation. The score for this variant resulted in a classification of benign for this disease.

Breakthrough Genomics
Classification: Benign. Review status: criteria provided, single submitter. Criteria: ACMG Guidelines, 2015. Collection method: not provided. Allele origin: germline. Inheritance: Autosomal dominant inheritance. Affected: yes.

NM_001174147.2(LMX1B):c.*1992T>C

Gene: LMX1B (LIM homeobox transcription factor 1 beta; plus strand). Cytogenetic location: 9q33.3.
Variant type: single nucleotide variant.
Coding change: c.*1992T>C on transcript NM_001174147.2 (MANE Select); 1992 bases downstream of the stop codon, T replaced by C.
Molecular consequence: 3 prime UTR variant.
Genome position (GRCh38, 1-based): chr9:126,698,443, T>C. VCF-style: chr9-126698443-T-C. GRCh37 (hg19) VCF-style: chr9-129460722-T-C.
Other names: c.*1992T>C (NM_001174146.2, NM_002316.4).
Identifiers: ClinVar variation 364947 (VCV000364947.6), dbSNP rs34776870, ClinGen allele CA10628944.